The following is an entry in ClinVar:

NM_018124.4(RFWD3):c.1155C>A (p.Val385=)

Gene: RFWD3 (ring finger and WD repeat domain 3; minus strand). Cytogenetic location: 16q23.1.
Variant type: single nucleotide variant.
Coding change: c.1155C>A on transcript NM_018124.4 (MANE Select); coding-DNA position 1155, C replaced by A.
Protein change: p.Val385=; no amino-acid change (valine 385 retained).
Molecular consequence: synonymous variant.
Genome position (GRCh38, 1-based): chr16:74,637,895, G>T on the plus strand (C>A on the coding strand, the complement: RFWD3 is on the minus strand). VCF-style: chr16-74637895-G-T. GRCh37 (hg19) VCF-style: chr16-74671793-G-T.
Other names: c.1155C>A, p.Val385= (NM_001370534.1, NM_001370535.1, NM_001370536.1); c.321C>A, p.Val107= (NM_001370537.1, NM_001370539.1, NM_001370540.1 and 3 more transcripts).
Identifiers: ClinVar variation 1974603 (VCV001974603.5), dbSNP rs147848964, ClinGen allele CA8169305.

ClinVar aggregate classification (germline): Uncertain significance (1 of 4 stars; one submission).

Allele frequency attached by ClinVar (database versions not stated): gnomAD 0.00008; TOPMed 0.00010; gnomAD exomes 0.00001; ExAC 0.00004; ESP Exome Variant Server 0.00023.
gnomAD v4.1: 26 of 1,612,782 alleles (0.0016%); highest among the groups gnomAD compares: African/African-American, 0.023%; no homozygotes.

Submission:

Labcorp Genetics (formerly Invitae), Labcorp
Classification: Uncertain significance. Last evaluated: 2026-01-27. Review status: criteria provided, single submitter. Criteria: Invitae Variant Classification Sherloc (09022015). Collection method: clinical testing. Allele origin: germline.
Comment: This sequence change affects codon 385 of the RFWD3 mRNA. It is a 'silent' change, meaning that it does not change the encoded amino acid sequence of the RFWD3 protein. This variant is present in population databases (rs147848964, gnomAD 0.02%). This variant has not been reported in the literature in individuals affected with RFWD3-related conditions. ClinVar contains an entry for this variant (Variation ID: 1974603). Algorithms developed to predict the effect of sequence changes on RNA splicing suggest that this variant may create or strengthen a splice site. In summary, the available evidence is currently insufficient to determine the role of this variant in disease. Therefore, it has been classified as a Variant of Uncertain Significance.